The following is an entry in ClinVar:

NM_000135.4(FANCA):c.2848G>T (p.Glu950Ter)

Gene: FANCA (FA complementation group A; minus strand). Cytogenetic location: 16q24.3.
Variant type: single nucleotide variant.
Coding change: c.2848G>T on transcript NM_000135.4 (MANE Select); coding-DNA position 2848, G replaced by T.
Protein change: p.Glu950Ter; replaces glutamic acid 950 with a stop codon.
Molecular consequence: nonsense.
Genome position (GRCh38, 1-based): chr16:89,761,953, C>A on the plus strand (G>T on the coding strand, the complement: FANCA is on the minus strand). VCF-style: chr16-89761953-C-A. GRCh37 (hg19) VCF-style: chr16-89828361-C-A.
Other names: c.2848G>T, p.Glu950Ter (NM_001286167.3); short protein forms E950*.
Identifiers: ClinVar variation 983707 (VCV000983707.3), dbSNP rs2038967261, ClinGen allele CA397433151.
Genomic context (GRCh38, chr16:89,761,953, plus strand): 5'-GGGATTATAGGTGTGAGCCATCATGCCTGGCCAGGGTAGCTCTTTTCAACACTTACCGTT[C>A]AGTATCTGAAAGAGCATCAGCTTCAGGTTGAATTTCCAGCTCCAGGTGTAACCAGTCTTG-3'

ClinVar aggregate classification (germline): Likely pathogenic (1 of 4 stars; one submission).

Conditions:
Fanconi anemia complementation group A (FANCA). Also called: Fanconi anemia, group A; FANCA-Related Fanconi Anemia. Identifiers: Orphanet 84, MedGen C3469521, MONDO:0009215, OMIM 227650.

Submission:

Myriad Genetics, Inc.
Classification: Likely pathogenic for Fanconi anemia complementation group A. Last evaluated: 2019-12-15. Review status: criteria provided, single submitter. Criteria: Myriad Women's Health Autosomal Recessive and X-Linked Classification Criteria (2019). Collection method: clinical testing. Allele origin: unknown.
Comment: NM_000135.2(FANCA):c.2848G>T(E950*) is expected to be pathogenic in the context of Fanconi anemia complementation group A. This variant is predicted to lead to an abnormal or absent protein product due to the creation of a premature termination codon in FANCA, a gene where loss-of-function variants are known to be pathogenic. Please note: this variant was assessed in the context of healthy population screening.